The following is an entry in ClinVar:

ClinVar aggregate classification (germline): Uncertain significance (1 of 4 stars; one submission).

Conditions:
Early-infantile DEE. Also called: Early infantile epileptic encephalopathy with suppression bursts; Early infantile epileptic encephalopathy; Ohtahara syndrome. Identifiers: Orphanet 1934, MedGen C0393706, MONDO:0800491.

Allele frequency attached by ClinVar (database versions not stated): ESP Exome Variant Server 0.00008; ExAC 0.00001.

Submission:

Labcorp Genetics (formerly Invitae), Labcorp
Classification: Uncertain significance for Early-infantile DEE. Last evaluated: 2023-02-13. Review status: criteria provided, single submitter. Criteria: Invitae Variant Classification Sherloc (09022015). Collection method: clinical testing. Allele origin: germline.
Comment: In summary, the available evidence is currently insufficient to determine the role of this variant in disease. Therefore, it has been classified as a Variant of Uncertain Significance. Advanced modeling of protein sequence and biophysical properties (such as structural, functional, and spatial information, amino acid conservation, physicochemical variation, residue mobility, and thermodynamic stability) performed at Invitae indicates that this missense variant is not expected to disrupt HCN1 protein function. This variant has not been reported in the literature in individuals affected with HCN1-related conditions. This variant is present in population databases (rs377177102, gnomAD 0.007%). This sequence change replaces alanine, which is neutral and non-polar, with threonine, which is neutral and polar, at codon 864 of the HCN1 protein (p.Ala864Thr).

NM_021072.4(HCN1):c.2590G>A (p.Ala864Thr)

Gene: HCN1 (hyperpolarization activated cyclic nucleotide gated potassium channel 1; minus strand). Cytogenetic location: 5p12.
Variant type: single nucleotide variant.
Coding change: c.2590G>A on transcript NM_021072.4 (MANE Select); coding-DNA position 2590, G replaced by A.
Protein change: p.Ala864Thr; replaces alanine 864 with threonine.
Molecular consequence: missense variant.
Genome position (GRCh38, 1-based): chr5:45,262,004, C>T on the plus strand (G>A on the coding strand, the complement: HCN1 is on the minus strand). VCF-style: chr5-45262004-C-T. GRCh37 (hg19) VCF-style: chr5-45262106-C-T.
Other names: short protein forms A864T.
Identifiers: ClinVar variation 2955611 (VCV002955611.3), dbSNP rs377177102, ClinGen allele CA3259075.
Genomic context (GRCh38, chr5:45,262,004, plus strand): 5'-GCTTTTCTGCGTCTGGGTCTGTGTTTAAGACTGAGGAAGATTCTCTTGGAAGAGCAGCTG[C>T]TGGTGGAGGGGGTGCTGGAGGGACTCCTCGGTTCGGGGGGATGGCTCCCGACGACATCTG-3'
Protein context (NP_066550.2, residues 854-874): RGVPPAPPPP[Ala864Thr]AALPRESSSV